The following is an entry in ClinVar:

NM_030632.3(ASXL3):c.5584A>C (p.Ser1862Arg)

Gene: ASXL3 (ASXL transcriptional regulator 3; plus strand). Cytogenetic location: 18q12.1.
Variant type: single nucleotide variant.
Coding change: c.5584A>C on transcript NM_030632.3 (MANE Select); coding-DNA position 5584, A replaced by C.
Protein change: p.Ser1862Arg; replaces serine 1862 with arginine.
Molecular consequence: missense variant.
Genome position (GRCh38, 1-based): chr18:33,745,432, A>C. VCF-style: chr18-33745432-A-C. GRCh37 (hg19) VCF-style: chr18-31325396-A-C.
Other names: short protein forms S1862R.
Identifiers: ClinVar variation 5018037 (VCV005018037.1).

ClinVar aggregate classification (germline): Uncertain significance (1 of 4 stars; one submission).

Submission:

GeneDx
Classification: Uncertain significance. Last evaluated: 2026-04-01. Review status: criteria provided, single submitter. Criteria: GeneDx Variant Classification Process June 2021. Collection method: clinical testing. Allele origin: germline.
Comment: Not observed at significant frequency in large population cohorts (gnomAD); In silico analysis suggests that this missense variant does not alter protein structure/function; Has not been previously published as pathogenic or benign to our knowledge